The following is an entry in ClinVar:

ClinVar aggregate classification (germline): Pathogenic (1 of 4 stars; one submission).

Conditions:
Cornelia de Lange syndrome 1 (CDLS1). Also called: TYPUS DEGENERATIVUS AMSTELODAMENSIS; Brachmann de Lange syndrome; NIPBL-Related Cornelia de Lange Syndrome. Identifiers: Orphanet 199, MedGen C4551851, MONDO:0007387, OMIM 122470.

Submission:

Genetics and Molecular Pathology, SA Pathology
Classification: Pathogenic for Cornelia de Lange syndrome 1. Last evaluated: 2022-10-24. Review status: criteria provided, single submitter. Criteria: ACMG Guidelines, 2015. Collection method: clinical testing. Allele origin: germline. Inheritance: Autosomal dominant inheritance. Affected: yes.
Comment: The NIPBL c.1530C>A variant is classified as Pathogenic (PVS1, PS2, PM2) The NIPBL c.1530C>A variant is a single nucleotide change in exon 10 of 47 of the NIPBL gene, which is predicted to result in premature termination of the protein product at codon 510 and undergo nonsense-mediated decay (PVS1). Loss of function variants are a known mechanism of disease for this gene. This variant is absent from population databases (PM2). This variant has not been reported in dbSNP, ClinVar or HGMD.

NM_133433.4(NIPBL):c.1530C>A (p.Tyr510Ter)

Gene: NIPBL (NIPBL cohesin loading factor; plus strand). Cytogenetic location: 5p13.2.
Variant type: single nucleotide variant.
Coding change: c.1530C>A on transcript NM_133433.4 (MANE Select); coding-DNA position 1530, C replaced by A.
Protein change: p.Tyr510Ter; replaces tyrosine 510 with a stop codon.
Molecular consequence: nonsense.
Genome position (GRCh38, 1-based): chr5:36,984,710, C>A. VCF-style: chr5-36984710-C-A. GRCh37 (hg19) VCF-style: chr5-36984812-C-A.
Other names: c.1530C>A, p.Tyr510Ter (NM_015384.5); short protein forms Y510*.
Identifiers: ClinVar variation 2664736 (VCV002664736.1), dbSNP rs2477917148, ClinGen allele CA359492646.
Genomic context (GRCh38, chr5:36,984,710, plus strand): 5'-TATTGATATTTATCTTTAAATTTCAGATAAGCCTTTGAAAAAAAGAAAACAAGATTCTTA[C>A]CCACAGGAGGCTGGGGGTGCTACAGGAGGTAATAGACCAGCTTCTCAGGAGACGGGTTCT-3'